The following is an entry in ClinVar:

ClinVar aggregate classification (germline): Uncertain significance (1 of 4 stars; one submission).

Conditions:
Hyperinsulinemic hypoglycemia, familial, 1 (HHF1). Also called: Persistent hyperinsulinemic hypoglycemia of infancy; HYPERINSULINISM, FAMILIAL, WITH PANCREATIC NESIDIOBLASTOSIS; HYPOGLYCEMIA, HYPERINSULINEMIC, OF INFANCY; NESIDIOBLASTOSIS OF PANCREAS; Persistent Hyperinsulinemia Hypoglycemia of Infancy. Identifiers: Orphanet 276575, Orphanet 276598, MedGen C2931832, MONDO:0009734, OMIM 256450.

Submission:

Institute of Human Genetics, University of Leipzig Medical Center
Classification: Uncertain significance for Hyperinsulinemic hypoglycemia, familial, 1. Last evaluated: 2021-10-19. Review status: criteria provided, single submitter. Criteria: ACMG/ClinGen CNV Guidelines, 2019. Collection method: clinical testing. Allele origin: unknown. Affected: yes.
Comment: Duplication of Exons 11-16

GRCh37/hg19 11p15.1(chr11:17448546-17453841)x3

Gene: ABCC8 (ATP binding cassette subfamily C member 8; minus strand). Cytogenetic location: 11p15.1.
Variant type: copy number gain.
Change: copy number 3 (three copies instead of two) of chr11:17,448,546-17,453,841 (5.3 kb, GRCh37 coordinates, 1-based), cytogenetic band 11p15.1.
Identifiers: ClinVar variation 1330193 (VCV001330193.1).